The following is an entry in ClinVar:

NM_001291303.3(FAT4):c.11569G>A (p.Ala3857Thr)

Gene: FAT4 (FAT atypical cadherin 4; plus strand). Cytogenetic location: 4q28.1.
Variant type: single nucleotide variant.
Coding change: c.11569G>A on transcript NM_001291303.3 (MANE Select); coding-DNA position 11569, G replaced by A.
Protein change: p.Ala3857Thr; replaces alanine 3857 with threonine.
Molecular consequence: missense variant.
Genome position (GRCh38, 1-based): chr4:125,452,579, G>A. VCF-style: chr4-125452579-G-A. GRCh37 (hg19) VCF-style: chr4-126373734-G-A.
Other names: c.11569G>A, p.Ala3857Thr (NM_001291285.3); c.11563G>A, p.Ala3855Thr (NM_024582.6); short protein forms A3855T, A3857T.
Identifiers: ClinVar variation 1978732 (VCV001978732.4), dbSNP rs2530917693, ClinGen allele CA358163110.

ClinVar aggregate classification (germline): Uncertain significance (1 of 4 stars; one submission).

Allele frequency attached by ClinVar (database versions not stated): gnomAD exomes below 0.00001.
gnomAD v4.1: 1 of 1,614,166 alleles (0.000062%); highest among the groups gnomAD compares: Non-Finnish European, 0.000085%; no homozygotes.

Submission:

Labcorp Genetics (formerly Invitae), Labcorp
Classification: Uncertain significance. Last evaluated: 2022-03-31. Review status: criteria provided, single submitter. Criteria: Invitae Variant Classification Sherloc (09022015). Collection method: clinical testing. Allele origin: germline.
Comment: Advanced modeling of protein sequence and biophysical properties (such as structural, functional, and spatial information, amino acid conservation, physicochemical variation, residue mobility, and thermodynamic stability) performed at Invitae indicates that this missense variant is not expected to disrupt FAT4 protein function. In summary, the available evidence is currently insufficient to determine the role of this variant in disease. Therefore, it has been classified as a Variant of Uncertain Significance. This variant has not been reported in the literature in individuals affected with FAT4-related conditions. This variant is not present in population databases (gnomAD no frequency). This sequence change replaces alanine, which is neutral and non-polar, with threonine, which is neutral and polar, at codon 3855 of the FAT4 protein (p.Ala3855Thr).